The following is an entry in ClinVar:

ClinVar aggregate classification (germline): Uncertain significance (1 of 4 stars; one submission).

Conditions:
Hereditary cancer-predisposing syndrome. Also called: Hereditary Cancer Syndrome; Hereditary neoplastic syndrome; Neoplastic Syndromes, Hereditary; Tumor predisposition. Identifiers: Orphanet 140162, MedGen C0027672, MeSH D009386, MONDO:0015356.

gnomAD v4.1: 1 of 1,613,704 alleles (0.000062%); highest among the groups gnomAD compares: Non-Finnish European, 0.000085%; no homozygotes.

Submission:

Ambry Genetics
Classification: Uncertain significance for Hereditary cancer-predisposing syndrome. Last evaluated: 2026-07-30. Review status: criteria provided, single submitter. Criteria: Ambry Variant Classification Scheme 2023. Collection method: clinical testing. Allele origin: germline.
Comment: The p.V104G variant (also known as c.311T>G), located in coding exon 2 of the PTCH1 gene, results from a T to G substitution at nucleotide position 311. The valine at codon 104 is replaced by glycine, an amino acid with dissimilar properties. This amino acid position is conserved. In addition, this alteration is predicted to be deleterious by in silico analysis. Based on the available evidence, the clinical significance of this variant remains unclear.

NM_000264.5(PTCH1):c.311T>G (p.Val104Gly)

Gene: PTCH1 (patched 1; minus strand). Cytogenetic location: 9q22.32.
Variant type: single nucleotide variant.
Coding change: c.311T>G on transcript NM_000264.5 (MANE Select); coding-DNA position 311, T replaced by G.
Protein change: p.Val104Gly; replaces valine 104 with glycine.
Molecular consequence: missense variant. On other transcripts: 5 prime UTR variant (4), non-coding transcript variant (1).
Genome position (GRCh38, 1-based): chr9:95,506,490, A>C on the plus strand (T>G on the coding strand, the complement: PTCH1 is on the minus strand). VCF-style: chr9-95506490-A-C. GRCh37 (hg19) VCF-style: chr9-98268772-A-C.
Other names: c.113T>G, p.Val38Gly (NM_001083602.3, NM_001354919.2); c.308T>G, p.Val103Gly (NM_001083603.3); c.-143T>G (NM_001083604.3, NM_001083605.3, NM_001083606.3 and 1 more transcripts); c.311T>G, p.Val104Gly (NM_001354918.2); short protein forms V104G, V38G, V103G.
Identifiers: ClinVar variation 3784619 (VCV003784619.2).